The following is an entry in ClinVar:

NM_018063.5(HELLS):c.477+2T>C

Gene: HELLS (helicase, lymphoid specific; plus strand). Cytogenetic location: 10q23.33.
Variant type: single nucleotide variant.
Coding change: c.477+2T>C on transcript NM_018063.5 (MANE Select); the canonical splice donor site of the intron after coding-DNA position 477, T replaced by C.
Molecular consequence: splice donor variant.
Genome position (GRCh38, 1-based): chr10:94,571,431, T>C. VCF-style: chr10-94571431-T-C. GRCh37 (hg19) VCF-style: chr10-96331188-T-C.
Other names: c.105+2T>C (NM_001289071.2); c.477+2T>C (NM_001289067.2, NM_001289070.2, NM_001289069.2 and 1 more transcripts); c.-545+2T>C (NM_001289075.2); c.-526+2T>C (NM_001289074.2); c.63+2T>C (NM_001289073.2); c.429+2T>C (NM_001289068.2).
Identifiers: ClinVar variation 4993413 (VCV004993413.1).
Genomic context (GRCh38, chr10:94,571,431, plus strand): 5'-TTTTCTCAAACTACTAGGAAATTTTGTCTGTGGCTAAAAAAAATAAAAAGGAGAATGAGG[T>C]AAGAAATTTATAATGTAAGATTAAGTTTAGAAGTCATATTTACTCCTCAGTTACTAGTCC-3'

ClinVar aggregate classification (germline): Likely pathogenic (1 of 4 stars; one submission).

Conditions:
HELLS-related disorder. Also called: HELLS-related condition.

Submission:

PreventionGenetics, part of Exact Sciences
Classification: Likely pathogenic for HELLS-related condition. Last evaluated: 2026-01-04. Review status: criteria provided, single submitter. Criteria: ACMG Guidelines, 2015. Collection method: clinical testing. Allele origin: germline.
Comment: The HELLS c.477+2T>C variant is predicted to disrupt the GT donor site and interfere with normal splicing. To our knowledge, this variant has not been reported in the literature or in a large population database (gnomAD), indicating this variant is rare. Variants that disrupt the consensus splice donor site in HELLS are expected to be pathogenic. This variant is interpreted as likely pathogenic.